The following is an entry in ClinVar:

NM_001131016.2(CIZ1):c.2648G>A (p.Arg883Gln)

Gene: CIZ1 (CDKN1A interacting zinc finger protein 1; minus strand). Cytogenetic location: 9q34.11.
Variant type: single nucleotide variant.
Coding change: c.2648G>A on transcript NM_001131016.2 (MANE Select); coding-DNA position 2648, G replaced by A.
Protein change: p.Arg883Gln; replaces arginine 883 with glutamine.
Molecular consequence: missense variant.
Genome position (GRCh38, 1-based): chr9:128,166,246, C>T on the plus strand (G>A on the coding strand, the complement: CIZ1 is on the minus strand). VCF-style: chr9-128166246-C-T. GRCh37 (hg19) VCF-style: chr9-130928525-C-T.
Other names: c.2480G>A, p.Arg827Gln (NM_001131015.2); c.2465G>A, p.Arg822Gln (NM_001131017.2); c.2408G>A, p.Arg803Gln (NM_001131018.2); c.2816G>A, p.Arg939Gln (NM_001257975.2); c.2345G>A, p.Arg782Gln (NM_001257976.2); c.2648G>A, p.Arg883Gln (NM_012127.3); c.2648G>A (NM_012127.2); short protein forms R827Q, R883Q, R939Q, R822Q, R782Q, R803Q.
Identifiers: ClinVar variation 2171235 (VCV002171235.5), dbSNP rs772580580, ClinGen allele CA5256955.

ClinVar aggregate classification (germline): Conflicting classifications of pathogenicity. Review status: criteria provided, conflicting classifications (1 of 4 stars). 2 submissions from 2 submitters: Uncertain significance (1); Likely benign (1). Last evaluated 2025-08-08.

Conditions:
Dystonic disorder. Also called: Dystonia. Identifiers: MedGen C0013421, MONDO:0003441, HP:0001332.

Allele frequency attached by ClinVar (database versions not stated): gnomAD exomes 0.00001; ExAC 0.00005; gnomAD 0.00005; TOPMed 0.00010.
gnomAD v4.1: 28 of 1,469,492 alleles (0.0019%); highest among the groups gnomAD compares: Middle Eastern, 0.022%; no homozygotes.

Submissions (2):

Labcorp Genetics (formerly Invitae), Labcorp
Classification: Uncertain significance for Dystonic disorder. Last evaluated: 2025-08-08. Review status: criteria provided, single submitter. Criteria: Invitae Variant Classification Sherloc (09022015). Collection method: clinical testing. Allele origin: germline.
Comment: This sequence change replaces arginine, which is basic and polar, with glutamine, which is neutral and polar, at codon 883 of the CIZ1 protein (p.Arg883Gln). This variant is present in population databases (rs772580580, gnomAD 0.02%). This variant has not been reported in the literature in individuals affected with CIZ1-related conditions. ClinVar contains an entry for this variant (Variation ID: 2171235). An algorithm developed to predict the effect of missense changes on protein structure and function outputs the following: PolyPhen-2: "Benign". The glutamine amino acid residue is found in multiple mammalian species, which suggests that this missense change does not adversely affect protein function. In summary, the available evidence is currently insufficient to determine the role of this variant in disease. Therefore, it has been classified as a Variant of Uncertain Significance.

Ambry Genetics
Classification: Likely benign. Last evaluated: 2024-08-19. Review status: criteria provided, single submitter. Criteria: Ambry Variant Classification Scheme 2023. Collection method: clinical testing. Allele origin: germline.